The following is an entry in ClinVar:

ClinVar aggregate classification (germline): Uncertain significance. Review status: criteria provided, multiple submitters, no conflicts (2 of 4 stars). 2 submissions from 2 submitters: Uncertain significance (2). Last evaluated 2026-05-26.

Conditions:
Inborn genetic diseases. Identifiers: MedGen C0950123, MeSH D030342.

Submissions (2):

Ambry Genetics
Classification: Uncertain significance for Inborn genetic diseases. Last evaluated: 2026-05-26. Review status: criteria provided, single submitter. Criteria: Ambry Variant Classification Scheme 2023. Collection method: clinical testing. Allele origin: germline.

Labcorp Genetics (formerly Invitae), Labcorp
Classification: Uncertain significance. Last evaluated: 2024-03-19. Review status: criteria provided, single submitter. Criteria: Invitae Variant Classification Sherloc (09022015). Collection method: clinical testing. Allele origin: germline.
Comment: This sequence change replaces isoleucine, which is neutral and non-polar, with methionine, which is neutral and non-polar, at codon 301 of the SLC12A6 protein (p.Ile301Met). This variant is not present in population databases (gnomAD no frequency). This variant has not been reported in the literature in individuals affected with SLC12A6-related conditions. Advanced modeling of protein sequence and biophysical properties (such as structural, functional, and spatial information, amino acid conservation, physicochemical variation, residue mobility, and thermodynamic stability) performed at Invitae indicates that this missense variant is not expected to disrupt SLC12A6 protein function with a negative predictive value of 80%. In summary, the available evidence is currently insufficient to determine the role of this variant in disease. Therefore, it has been classified as a Variant of Uncertain Significance.

NM_001365088.1(SLC12A6):c.903C>G (p.Ile301Met)

Gene: SLC12A6 (solute carrier family 12 member 6; minus strand). Cytogenetic location: 15q14.
Variant type: single nucleotide variant.
Coding change: c.903C>G on transcript NM_001365088.1 (MANE Select); coding-DNA position 903, C replaced by G.
Protein change: p.Ile301Met; replaces isoleucine 301 with methionine.
Molecular consequence: missense variant.
Genome position (GRCh38, 1-based): chr15:34,254,563, G>C on the plus strand (C>G on the coding strand, the complement: SLC12A6 is on the minus strand). VCF-style: chr15-34254563-G-C. GRCh37 (hg19) VCF-style: chr15-34546764-G-C.
Other names: c.903C>G, p.Ile301Met (NM_133647.2); c.726C>G, p.Ile242Met (NM_001042494.2, NM_001042495.2); c.876C>G, p.Ile292Met (NM_001042496.2); c.858C>G, p.Ile286Met (NM_001042497.2); c.750C>G, p.Ile250Met (NM_005135.2); short protein forms I242M, I250M, I286M, I292M, I301M.
Identifiers: ClinVar variation 3623888 (VCV003623888.3).